The following is an entry in ClinVar:

ClinVar aggregate classification (germline): Pathogenic (1 of 4 stars; one submission).

Conditions:
Biotin-responsive basal ganglia disease (BTBGD). Also called: Thiamine metabolism dysfunction syndrome type 2; Thiamine metabolism dysfunction syndrome 2 (biotin- or thiamine-responsive encephalopathy type 2); thiamine-responsive encephalopathy; Thiamine Transporter-2 Deficiency; THIAMINE METABOLISM DYSFUNCTION SYNDROME 2 (BIOTIN- AND THIAMINE-RESPONSIVE TYPE). Identifiers: Orphanet 199348, Orphanet 65284, MedGen C1843807, MONDO:0011841, OMIM 607483.

Submission:

Labcorp Genetics (formerly Invitae), Labcorp
Classification: Pathogenic for Biotin-responsive basal ganglia disease. Last evaluated: 2024-06-09. Review status: criteria provided, single submitter. Criteria: Invitae Variant Classification Sherloc (09022015). Collection method: clinical testing. Allele origin: germline.
Comment: This sequence change creates a premature translational stop signal (p.Ala330Valfs*8) in the SLC19A3 gene. It is expected to result in an absent or disrupted protein product. Loss-of-function variants in SLC19A3 are known to be pathogenic (PMID: 23423671, 23482991). This variant is not present in population databases (gnomAD no frequency). This variant has not been reported in the literature in individuals affected with SLC19A3-related conditions. For these reasons, this variant has been classified as Pathogenic.

Literature cited by the submitters: PubMed 23423671; PubMed 23482991.

NM_025243.4(SLC19A3):c.989del (p.Ala330fs)

Gene: SLC19A3 (solute carrier family 19 member 3; minus strand). Cytogenetic location: 2q36.3.
Variant type: Deletion.
Coding change: c.989del on transcript NM_025243.4 (MANE Select); coding-DNA position 989, one base deleted (C; older notation c.989delC).
Protein change: p.Ala330fs; shifts the reading frame from alanine 330.
Molecular consequence: frameshift variant.
Genome position (GRCh38, 1-based): chr2:227,696,072, G deleted on the plus strand (C on the coding strand, the reverse complement: SLC19A3 is on the minus strand). VCF-style (leftmost placement, unchanged base first): chr2-227696071-AG-A. GRCh37 (hg19) VCF-style: chr2-228560787-AG-A.
Other names: c.989del, p.Ala330fs (NM_001371411.1, NM_001371412.1); c.977del, p.Ala326fs (NM_001371413.1, NM_001371414.1); short protein forms A330fs, A326fs.
Identifiers: ClinVar variation 3631810 (VCV003631810.2).